The following is an entry in ClinVar:

NM_007294.4(BRCA1):c.1457T>C (p.Phe486Ser)

Gene: BRCA1 (BRCA1 DNA repair associated; minus strand). Cytogenetic location: 17q21.31.
Variant type: single nucleotide variant.
Coding change: c.1457T>C on transcript NM_007294.4 (MANE Select); coding-DNA position 1457, T replaced by C.
Protein change: p.Phe486Ser; replaces phenylalanine 486 with serine.
Molecular consequence: missense variant. On other transcripts: intron variant (137).
Genome position (GRCh38, 1-based): chr17:43,094,074, A>G on the plus strand (T>C on the coding strand, the complement: BRCA1 is on the minus strand). VCF-style: chr17-43094074-A-G. GRCh37 (hg19) VCF-style: chr17-41246091-A-G.
Other names: c.1457T>C, p.Phe486Ser (NM_001407582.1, NM_001407583.1, NM_001407585.1 and 30 more transcripts); c.1244T>C, p.Phe415Ser (NM_001407571.1, NM_001407853.1, NM_001407894.1 and 9 more transcripts); c.1379T>C, p.Phe460Ser (NM_001407657.1, NM_001407658.1, NM_001407663.1 and 4 more transcripts); c.1376T>C, p.Phe459Ser (NM_001407659.1, NM_001407660.1, NM_001407661.1 and 1 more transcripts); c.1334T>C, p.Phe445Ser (NM_001407664.1, NM_001407665.1, NM_001407666.1 and 19 more transcripts); c.1331T>C, p.Phe444Ser (NM_001407670.1, NM_001407671.1, NM_001407672.1 and 11 more transcripts); c.1316T>C, p.Phe439Ser (NM_001407692.1, NM_001407694.1, NM_001407695.1 and 29 more transcripts); c.1313T>C, p.Phe438Ser (NM_001407740.1, NM_001407741.1, NM_001407742.1 and 20 more transcripts); and 40 more; short protein forms F439S, F486S, F190S, F375S, F416S, F418S, F419S, F438S.
Identifiers: ClinVar variation 819266 (VCV000819266.17), dbSNP rs774159828, ClinGen allele CA057258.

ClinVar aggregate classification (germline): Conflicting classifications of pathogenicity. Review status: criteria provided, conflicting classifications (1 of 4 stars). 3 submissions from 3 submitters: Uncertain significance (1); Likely benign (2). Last evaluated 2023-03-23.

Conditions:
Hereditary cancer-predisposing syndrome. Also called: Tumor predisposition; Hereditary neoplastic syndrome; Neoplastic Syndromes, Hereditary; Hereditary Cancer Syndrome. Identifiers: Orphanet 140162, MedGen C0027672, MeSH D009386, MONDO:0015356.
Hereditary breast ovarian cancer syndrome. Also called: Hereditary breast and ovarian cancer syndrome (HBOC); Breast and ovarian cancer; BRCA1- and BRCA2-Associated Hereditary Breast and Ovarian Cancer; Hereditary breast and/or ovarian cancer syndrome; Hereditary breast and ovarian cancer syndrome; Hereditary breast and ovarian cancer. Identifiers: Orphanet 145, MedGen C0677776, MeSH D061325, MONDO:0003582. Disease mechanism: loss of function.

Allele frequency attached by ClinVar (database versions not stated): gnomAD exomes below 0.00001; ExAC 0.00001.
gnomAD v4.1: 1 of 1,614,086 alleles (0.000062%); highest among the groups gnomAD compares: Non-Finnish European, 0.000085%; no homozygotes.

Submissions (3):

University of Washington Department of Laboratory Medicine, University of Washington
Classification: Likely benign for Hereditary cancer-predisposing syndrome. Last evaluated: 2023-03-23. Review status: criteria provided, single submitter. Criteria: Dines et al. (Genet Med. 2020). Collection method: curation. Allele origin: germline.
Comment: Missense variant in a coldspot region where missense variants are very unlikely to be pathogenic (PMID:31911673).

BRCA1 coldspot (exon 11 using historical exon numbering). Reclassification based on statistical prior probability

Labcorp Genetics (formerly Invitae), Labcorp
Classification: Uncertain significance for Hereditary breast ovarian cancer syndrome. Last evaluated: 2020-05-12. Review status: criteria provided, single submitter. Criteria: Invitae Variant Classification Sherloc (09022015). Collection method: clinical testing. Allele origin: germline.
Comment: This sequence change replaces phenylalanine with serine at codon 486 of the BRCA1 protein (p.Phe486Ser). The phenylalanine residue is moderately conserved and there is a large physicochemical difference between phenylalanine and serine. This variant is present in population databases (rs774159828, ExAC 0.001%). This variant has not been reported in the literature in individuals with BRCA1-related conditions. Algorithms developed to predict the effect of missense changes on protein structure and function output the following: SIFT: "Tolerated"; PolyPhen-2: "Benign"; Align-GVGD: "Class C0". The serine amino acid residue is found in multiple mammalian species, suggesting that this missense change does not adversely affect protein function. These predictions have not been confirmed by published functional studies and their clinical significance is uncertain. In summary, the available evidence is currently insufficient to determine the role of this variant in disease. Therefore, it has been classified as a Variant of Uncertain Significance.

Ambry Genetics
Classification: Likely benign for Hereditary cancer-predisposing syndrome. Last evaluated: 2019-06-27. Review status: criteria provided, single submitter. Criteria: Ambry Variant Classification Scheme 2023. Collection method: clinical testing. Allele origin: germline.